The following is an entry in ClinVar:

ClinVar aggregate classification (germline): Likely benign (1 of 4 stars; one submission).

Conditions:
Hypohidrotic ectodermal dysplasia (HED). Identifiers: Orphanet 238468, MedGen C5848103, MONDO:0016535, HP:0007607.

Allele frequency attached by ClinVar (database versions not stated): gnomAD 0.00007 and 0.00004; ExAC 0.00023; TOPMed 0.00003; 1000 Genomes Project 30x 0.00031; 1000 Genomes Project 0.00040; gnomAD exomes 0.00016 and 0.00021.
gnomAD v4.1: 311 of 1,613,844 alleles (0.019%); highest among the groups gnomAD compares: East Asian, 0.4%; 2 homozygotes.

Submission:

Illumina Laboratory Services, Illumina
Classification: Likely benign for Hypohidrotic ectodermal dysplasia. Last evaluated: 2018-01-13. Review status: criteria provided, single submitter. Criteria: ICSL Variant Classification Criteria 13 December 2019. Collection method: clinical testing. Allele origin: germline.
Comment: This variant was observed in the ICSL laboratory as part of a predisposition screen in an ostensibly healthy population. It had not been previously curated by ICSL or reported in the Human Gene Mutation Database (HGMD: prior to June 1st, 2018), and was therefore a candidate for classification through an automated scoring system. Utilizing variant allele frequency, disease prevalence and penetrance estimates, and inheritance mode, an automated score was calculated to assess if this variant is too frequent to cause the disease. Based on the score and internal cut-off values, a variant classified as likely benign is not then subjected to further curation. The score for this variant resulted in a classification of likely benign for this disease.

NM_022336.4(EDAR):c.156G>A (p.Pro52=)

Genes: EDAR (ectodysplasin A receptor; minus strand), RANBP2 (RAN binding protein 2; plus strand). Cytogenetic location: 2q13.
Variant type: single nucleotide variant.
Coding change: c.156G>A on transcript NM_022336.4 (MANE Select); coding-DNA position 156, G replaced by A.
Protein change: p.Pro52=; no amino-acid change (proline 52 retained).
Molecular consequence: synonymous variant.
Genome position (GRCh38, 1-based): chr2:108,930,138, C>T on the plus strand (G>A on the coding strand, the complement: EDAR is on the minus strand). VCF-style: chr2-108930138-C-T. GRCh37 (hg19) VCF-style: chr2-109546594-C-T.
Identifiers: ClinVar variation 894157 (VCV000894157.4), dbSNP rs3749101, ClinGen allele CA1825192.